The following is an entry in ClinVar:

NM_014140.4(SMARCAL1):c.1934G>A (p.Arg645His)

Gene: SMARCAL1 (SNF2 related chromatin remodeling annealing helicase 1; plus strand). Cytogenetic location: 2q35.
Variant type: single nucleotide variant.
Coding change: c.1934G>A on transcript NM_014140.4 (MANE Select); coding-DNA position 1934, G replaced by A.
Protein change: p.Arg645His; replaces arginine 645 with histidine.
Molecular consequence: missense variant.
Genome position (GRCh38, 1-based): chr2:216,450,928, G>A. VCF-style: chr2-216450928-G-A. GRCh37 (hg19) VCF-style: chr2-217315651-G-A.
Other names: c.1934G>A, p.Arg645His (NM_001127207.2); short protein forms R645H.
Identifiers: ClinVar variation 1325104 (VCV001325104.12), dbSNP rs1281345070, ClinGen allele CA350502062.

ClinVar aggregate classification (germline): Pathogenic/Likely pathogenic. Review status: criteria provided, multiple submitters, no conflicts (2 of 4 stars). 4 submissions from 4 submitters: Pathogenic (1); Likely pathogenic (3). Last evaluated 2025-05-06.

Conditions:
Schimke immuno-osseous dysplasia (SIOD). Also called: Schimke Immunoosseous Dysplasia. Identifiers: Orphanet 1830, MedGen C0877024, MONDO:0009458, OMIM 242900.

Allele frequency attached by ClinVar (database versions not stated): gnomAD exomes below 0.00001 and 0.00001; TOPMed 0.00001; gnomAD 0.00001.
gnomAD v4.1: 10 of 1,614,078 alleles (0.00062%); highest among the groups gnomAD compares: South Asian, 0.0044%; no homozygotes.

Submissions (4):

Labcorp Genetics (formerly Invitae), Labcorp
Classification: Pathogenic for Schimke immuno-osseous dysplasia. Last evaluated: 2025-05-06. Review status: criteria provided, single submitter. Criteria: Invitae Variant Classification Sherloc (09022015). Collection method: clinical testing. Allele origin: germline.
Comment: This sequence change replaces arginine, which is basic and polar, with histidine, which is basic and polar, at codon 645 of the SMARCAL1 protein (p.Arg645His). This variant is present in population databases (no rsID available, gnomAD 0.0009%). This missense change has been observed in individual(s) with clinical features of Schimke immuno-osseous dysplasia (PMID: 19127206; internal data). In at least one individual the data is consistent with being in trans (on the opposite chromosome) from a pathogenic variant. ClinVar contains an entry for this variant (Variation ID: 1325104). Invitae Evidence Modeling of protein sequence and biophysical properties (such as structural, functional, and spatial information, amino acid conservation, physicochemical variation, residue mobility, and thermodynamic stability) indicates that this missense variant is expected to disrupt SMARCAL1 protein function with a positive predictive value of 80%. This variant disrupts the p.Arg645 amino acid residue in SMARCAL1. Other variant(s) that disrupt this residue have been determined to be pathogenic (PMID: 11799392, 22998683, 25748404). This suggests that this residue is clinically significant, and that variants that disrupt this residue are likely to be disease-causing. For these reasons, this variant has been classified as Pathogenic.

Natera, Inc.
Classification: Likely pathogenic for Schimke immuno-osseous dysplasia. Last evaluated: 2024-10-30. Review status: criteria provided, single submitter. Criteria: Natera Variant Classification Schema (03/2026). Collection method: clinical testing. Allele origin: germline.
Comment: The c.1934G>A variant in SMARCAL1 is a missense variant predicted to cause substitution of arginine to histidine at amino acid 645. This variant is rare in the general population with a frequency below the threshold expected for the associated phenotype(s). This variant has been observed in one or more individuals affected with the associated recessive disease, as either homozygous or compound heterozygous with a second variant (PMID: 19127206). Additionally, this variant has been observed to segregate in affected family members (PMID: 19127206). A different variant at the same position has been determined to be Pathogenic or Likely Pathogenic. Computational prediction algorithms indicate this variant is likely to affect gene or protein function. Given the available evidence, this variant is classified as Likely Pathogenic.

Fulgent Genetics
Classification: Likely pathogenic for Schimke immuno-osseous dysplasia. Last evaluated: 2024-03-26. Review status: criteria provided, single submitter. Criteria: ACMG Guidelines, 2015. Collection method: clinical testing. Allele origin: germline.

Revvity Omics, Revvity
Classification: Likely pathogenic for Schimke immuno-osseous dysplasia. Last evaluated: 2020-11-10. Review status: criteria provided, single submitter. Criteria: ACMG Guidelines, 2015. Collection method: clinical testing. Allele origin: germline.

Literature cited by the submitters: PubMed 19127206 (cited by Labcorp Genetics (formerly Invitae), Labcorp and Natera, Inc.); PubMed 11799392 (cited by Labcorp Genetics (formerly Invitae), Labcorp); PubMed 22998683 (cited by Labcorp Genetics (formerly Invitae), Labcorp); PubMed 25748404 (cited by Labcorp Genetics (formerly Invitae), Labcorp).